The following is an entry in ClinVar:

ClinVar aggregate classification (germline): Uncertain significance. Review status: criteria provided, multiple submitters, no conflicts (2 of 4 stars). 4 submissions from 3 submitters: Uncertain significance (4). Last evaluated 2021-06-24.

Conditions:
RASopathy. Also called: Noonan spectrum disorder; rasopathies. Identifiers: Orphanet 536391, MedGen C5555857, MONDO:0021060.
Noonan syndrome 4 (NS4). Also called: NOONAN SYNDROME WITH PIGMENTED VILLONODULAR SYNOVITIS; SOS1-Related Noonan Syndrome. Identifiers: Orphanet 648, MedGen C1853120, MONDO:0012547, OMIM 610733.
Fibromatosis, gingival, 1 (GINGF1). Identifiers: Orphanet 2024, MedGen C4551558, MONDO:0007609, OMIM 135300.

Submissions (4):

GeneDx
Classification: Uncertain significance. Last evaluated: 2021-06-24. Review status: criteria provided, single submitter. Criteria: GeneDx Variant Classification Process June 2021. Collection method: clinical testing. Allele origin: germline. Affected: yes.
Comment: Not observed at significant frequency in large population cohorts (Lek et al., 2016); Missense variants in this gene are often considered pathogenic (Stenson et al., 2014); In silico analysis supports that this missense variant has a deleterious effect on protein structure/function; Has not been previously published as pathogenic or benign to our knowledge; This variant is associated with the following publications: (PMID: 27535533)

Labcorp Genetics (formerly Invitae), Labcorp
Classification: Uncertain significance for RASopathy. Last evaluated: 2020-11-15. Review status: criteria provided, single submitter. Criteria: Invitae Variant Classification Sherloc (09022015). Collection method: clinical testing. Allele origin: germline.
Comment: This variant is not present in population databases (ExAC no frequency). This sequence change replaces proline with serine at codon 1151 of the SOS1 protein (p.Pro1151Ser). The proline residue is highly conserved and there is a moderate physicochemical difference between proline and serine. This variant has not been reported in the literature in individuals with SOS1-related conditions. Advanced modeling of protein sequence and biophysical properties (such as structural, functional, and spatial information, amino acid conservation, physicochemical variation, residue mobility, and thermodynamic stability) performed at Invitae indicates that this missense variant is expected to disrupt SOS1 protein function. In summary, the available evidence is currently insufficient to determine the role of this variant in disease. Therefore, it has been classified as a Variant of Uncertain Significance.

Genome-Nilou Lab
Classification: Uncertain significance for Noonan syndrome 4. Review status: criteria provided, single submitter. Criteria: ACMG Guidelines, 2015. Collection method: clinical testing. Allele origin: germline.

Genome-Nilou Lab
Classification: Uncertain significance for Fibromatosis, gingival, 1. Review status: criteria provided, single submitter. Criteria: ACMG Guidelines, 2015. Collection method: clinical testing. Allele origin: germline.

NM_005633.4(SOS1):c.3451C>T (p.Pro1151Ser)

Gene: SOS1 (SOS Ras/Rac guanine nucleotide exchange factor 1; minus strand). Cytogenetic location: 2p22.1.
Variant type: single nucleotide variant.
Coding change: c.3451C>T on transcript NM_005633.4 (MANE Select); coding-DNA position 3451, C replaced by T.
Protein change: p.Pro1151Ser; replaces proline 1151 with serine.
Molecular consequence: missense variant.
Genome position (GRCh38, 1-based): chr2:38,987,532, G>A on the plus strand (C>T on the coding strand, the complement: SOS1 is on the minus strand). VCF-style: chr2-38987532-G-A. GRCh37 (hg19) VCF-style: chr2-39214673-G-A.
Other names: c.3430C>T, p.Pro1144Ser (NM_001382394.1); c.3406C>T, p.Pro1136Ser (NM_001382395.1); short protein forms P1136S, P1144S, P1151S.
Identifiers: ClinVar variation 1329530 (VCV001329530.10), dbSNP rs2124458641, ClinGen allele CA346359664.